The following is an entry in ClinVar:

NM_005529.7(HSPG2):c.2677C>T (p.Arg893Cys)

Gene: HSPG2 (heparan sulfate proteoglycan 2; minus strand). Cytogenetic location: 1p36.12.
Variant type: single nucleotide variant.
Coding change: c.2677C>T on transcript NM_005529.7 (MANE Select); coding-DNA position 2677, C replaced by T.
Protein change: p.Arg893Cys; replaces arginine 893 with cysteine.
Molecular consequence: missense variant.
Genome position (GRCh38, 1-based): chr1:21,878,194, G>A on the plus strand (C>T on the coding strand, the complement: HSPG2 is on the minus strand). VCF-style: chr1-21878194-G-A. GRCh37 (hg19) VCF-style: chr1-22204687-G-A.
Other names: c.2680C>T, p.Arg894Cys (NM_001291860.2); short protein forms R894C, R893C.
Identifiers: ClinVar variation 1983252 (VCV001983252.4), dbSNP rs755094755, ClinGen allele CA672923.

ClinVar aggregate classification (germline): Uncertain significance (1 of 4 stars; one submission).

Allele frequency attached by ClinVar (database versions not stated): ExAC 0.00002; gnomAD 0.00002; gnomAD exomes 0.00002; TOPMed 0.00003.
gnomAD v4.1: 27 of 1,613,436 alleles (0.0017%); highest among the groups gnomAD compares: African/African-American, 0.004%; no homozygotes.

Submission:

Labcorp Genetics (formerly Invitae), Labcorp
Classification: Uncertain significance. Last evaluated: 2025-10-06. Review status: criteria provided, single submitter. Criteria: Invitae Variant Classification Sherloc (09022015). Collection method: clinical testing. Allele origin: germline.
Comment: This sequence change replaces arginine, which is basic and polar, with cysteine, which is neutral and slightly polar, at codon 893 of the HSPG2 protein (p.Arg893Cys). This variant is present in population databases (rs755094755, gnomAD 0.006%). This variant has not been reported in the literature in individuals affected with HSPG2-related conditions. ClinVar contains an entry for this variant (Variation ID: 1983252). An algorithm developed to predict the effect of missense changes on protein structure and function (PolyPhen-2) suggests that this variant is likely to be disruptive. In summary, the available evidence is currently insufficient to determine the role of this variant in disease. Therefore, it has been classified as a Variant of Uncertain Significance.